The following is an entry in ClinVar:

ClinVar aggregate classification (germline): Uncertain significance (1 of 4 stars; one submission).

Conditions:
Sulfite oxidase deficiency due to molybdenum cofactor deficiency type C. Also called: Molybdenum cofactor deficiency, complementation group C; Molybdenum cofactor deficiency C. Identifiers: Orphanet 308400, Orphanet 833, MedGen C1854990, MONDO:0014212, OMIM 615501.

Submission:

Labcorp Genetics (formerly Invitae), Labcorp
Classification: Uncertain significance for Sulfite oxidase deficiency due to molybdenum cofactor deficiency type C. Last evaluated: 2023-10-13. Review status: criteria provided, single submitter. Criteria: Invitae Variant Classification Sherloc (09022015). Collection method: clinical testing. Allele origin: unknown.
Comment: This variant results in a copy number gain of the genomic region encompassing exon(s) 11-23 of the GPHN gene. This region includes the termination codon of the gene. This copy number gain extends beyond the assayed region for this gene and therefore may encompass additional genes. As the precise location of this event is unknown, it may be in tandem or it may be located elsewhere in the genome. This variant has not been reported in the literature in individuals affected with GPHN-related conditions. In summary, the available evidence is currently insufficient to determine the role of this variant in disease. Therefore, it has been classified as a Variant of Uncertain Significance.

NC_000014.8:g.(?_67525346)_(67647654_?)dup

Gene: GPHN (gephyrin; plus strand). Cytogenetic location: 14q23.3.
Variant type: Duplication.
Identifiers: ClinVar variation 3243995 (VCV003243995.1).